The following is an entry in ClinVar:

ClinVar aggregate classification (germline): Conflicting classifications of pathogenicity. Review status: criteria provided, conflicting classifications (1 of 4 stars). 2 submissions from 2 submitters: Uncertain significance (1); Likely benign (1). Last evaluated 2025-11-11.

Conditions:
Hereditary cancer-predisposing syndrome. Also called: Tumor predisposition; Hereditary neoplastic syndrome; Neoplastic Syndromes, Hereditary; Hereditary Cancer Syndrome. Identifiers: Orphanet 140162, MedGen C0027672, MeSH D009386, MONDO:0015356.
Gastrointestinal stromal tumor. Also called: Gastrointestinal stroma tumor; Gastrointestinal stromal tumor, somatic. Identifiers: Orphanet 44890, MedGen C0238198, MeSH D046152, MONDO:0011719, OMIM 606764, HP:0100723.

Submissions (2):

Labcorp Genetics (formerly Invitae), Labcorp
Classification: Uncertain significance for Gastrointestinal stromal tumor. Last evaluated: 2025-11-11. Review status: criteria provided, single submitter. Criteria: Invitae Variant Classification Sherloc (09022015). Collection method: clinical testing. Allele origin: germline.
Comment: This sequence change affects codon 114 of the PDGFRA mRNA. It is a 'silent' change, meaning that it does not change the encoded amino acid sequence of the PDGFRA protein. This variant is not present in population databases (gnomAD no frequency). This variant has not been reported in the literature in individuals affected with PDGFRA-related conditions. ClinVar contains an entry for this variant (Variation ID: 459095). Algorithms developed to predict the effect of sequence changes on RNA splicing suggest that this variant may disrupt the consensus splice site. In summary, the available evidence is currently insufficient to determine the role of this variant in disease. Therefore, it has been classified as a Variant of Uncertain Significance.

Ambry Genetics
Classification: Likely benign for Hereditary cancer-predisposing syndrome. Last evaluated: 2019-06-13. Review status: criteria provided, single submitter. Criteria: Ambry Variant Classification Scheme 2023. Collection method: clinical testing. Allele origin: germline.

NM_006206.6(PDGFRA):c.342C>T (p.Gly114=)

Gene: PDGFRA (platelet derived growth factor receptor alpha; plus strand). Cytogenetic location: 4q12.
Variant type: single nucleotide variant.
Coding change: c.342C>T on transcript NM_006206.6 (MANE Select); coding-DNA position 342, C replaced by T.
Protein change: p.Gly114=; no amino-acid change (glycine 114 retained).
Molecular consequence: synonymous variant.
Genome position (GRCh38, 1-based): chr4:54,261,387, C>T. VCF-style: chr4-54261387-C-T. GRCh37 (hg19) VCF-style: chr4-55127554-C-T.
Other names: c.342C>T, p.Gly114= (NM_001347827.2, NM_001347829.2); c.417C>T, p.Gly139= (NM_001347828.2); c.381C>T, p.Gly127= (NM_001347830.2).
Identifiers: ClinVar variation 459095 (VCV000459095.13), dbSNP rs1553902455, ClinGen allele CA439285442.